The following is an entry in ClinVar:

NM_001384732.1(CPLANE1):c.7250_7251del (p.Leu2417fs)

Gene: CPLANE1 (ciliogenesis and planar polarity effector complex subunit 1; minus strand). Cytogenetic location: 5p13.2.
Variant type: Deletion.
Coding change: c.7250_7251del on transcript NM_001384732.1 (MANE Select); coding-DNA positions 7250 to 7251, 2 bases deleted (TT; older notation c.7250_7251delTT).
Protein change: p.Leu2417fs; shifts the reading frame from leucine 2417.
Molecular consequence: frameshift variant.
Genome position (GRCh38, 1-based): chr5:37,167,196-37,167,197, AA deleted on the plus strand (TT on the coding strand, the reverse complement: CPLANE1 is on the minus strand). VCF-style (leftmost placement, unchanged base first): chr5-37167195-TAA-T. GRCh37 (hg19) VCF-style: chr5-37167297-TAA-T.
Other names: c.7250_7251del, p.Leu2417fs (NM_023073.4); short protein forms L2417fs.
Identifiers: ClinVar variation 4879537 (VCV004879537.1).

ClinVar aggregate classification (germline): Likely pathogenic (1 of 4 stars; one submission).

Conditions:
Joubert syndrome 17 (JBTS17). Identifiers: Orphanet 475, MedGen C3553264, MONDO:0013824, OMIM 614615.
Orofaciodigital syndrome type 6 (OFD6). Also called: OROFACIODIGITAL SYNDROME VI; OFDS VI; POLYDACTYLY, CLEFT LIP/PALATE OR LINGUAL LUMP, AND PSYCHOMOTOR RETARDATION; VARADI SYNDROME; VARADI-PAPP SYNDROME; Oral-facial-digital syndrome type 6. Identifiers: Orphanet 2754, MedGen C2745997, MONDO:0010176, OMIM 277170.

Submission:

Clinical Genomics Laboratory, Washington University in St. Louis
Classification: Likely pathogenic for Orofaciodigital syndrome type 6; Joubert syndrome 17. Last evaluated: 2025-11-24. Review status: criteria provided, single submitter. Criteria: ACMG Guidelines, 2015. Collection method: clinical testing. Allele origin: germline. Affected: yes.
Comment: The CPLANE1 c.7250_7251del (p.Leu2417Hisfs*4) variant, to our knowledge, has not been reported in the medical literature. This variant is only observed in 2/1,609,790 alleles in the general population (gnomAD v.4.1.0), indicating it is not a common variant. This variant causes a frameshift by deleting two nucleotides, leading to a premature termination codon, which is predicted to lead to nonsense mediated decay. Based on available information and the ACMG/AMP guidelines for variant interpretation (Richards S et al., PMID: 25741868), this variant is classified as likely pathogenic.